The following is an entry in ClinVar:

ClinVar aggregate classification (germline): Uncertain significance (1 of 4 stars; one submission).

Conditions:
Nemaline myopathy 2 (NEM2). Also called: Nemaline myopathy 2, autosomal recessive. Identifiers: MedGen C1850569, MONDO:0009725, OMIM 256030.

Submission:

Labcorp Genetics (formerly Invitae), Labcorp
Classification: Uncertain significance for Nemaline myopathy 2. Last evaluated: 2021-05-21. Review status: criteria provided, single submitter. Criteria: Invitae Variant Classification Sherloc (09022015). Collection method: clinical testing. Allele origin: germline.
Comment: This sequence change affects codon 4104 of the NEB mRNA. It is a 'silent' change, meaning that it does not change the encoded amino acid sequence of the NEB protein. This variant is not present in population databases (ExAC no frequency). This variant has not been reported in the literature in individuals with NEB-related conditions. Algorithms developed to predict the effect of sequence changes on RNA splicing suggest that this variant may create or strengthen a splice site, but this prediction has not been confirmed by published transcriptional studies. In summary, the available evidence is currently insufficient to determine the role of this variant in disease. Therefore, it has been classified as a Variant of Uncertain Significance.

NM_001164508.2(NEB):c.12312C>G (p.Ala4104=)

Gene: NEB (nebulin; minus strand). Cytogenetic location: 2q23.3.
Variant type: single nucleotide variant.
Coding change: c.12312C>G on transcript NM_001164508.2 (MANE Select); coding-DNA position 12312, C replaced by G.
Protein change: p.Ala4104=; no amino-acid change (alanine 4104 retained).
Molecular consequence: synonymous variant.
Genome position (GRCh38, 1-based): chr2:151,609,827, G>C on the plus strand (C>G on the coding strand, the complement: NEB is on the minus strand). VCF-style: chr2-151609827-G-C. GRCh37 (hg19) VCF-style: chr2-152466341-G-C.
Other names: c.12312C>G, p.Ala4104= (NM_001164507.2, NM_001271208.2); c.11583C>G, p.Ala3861= (NM_004543.5).
Identifiers: ClinVar variation 1951181 (VCV001951181.2), dbSNP rs1436769995, ClinGen allele CA429452106.